The following is an entry in ClinVar:

ClinVar aggregate classification (germline): Uncertain significance. Review status: criteria provided, multiple submitters, no conflicts (2 of 4 stars). 3 submissions from 3 submitters: Uncertain significance (3). Last evaluated 2025-02-03.

Conditions:
Alstrom syndrome (ALMS). Identifiers: Orphanet 64, MedGen C0268425, MONDO:0008763, OMIM 203800.

Allele frequency attached by ClinVar (database versions not stated): ExAC 0.00001; gnomAD exomes 0.00001; gnomAD 0.00003; TOPMed 0.00003.
gnomAD v4.1: 8 of 1,613,872 alleles (0.0005%); highest among the groups gnomAD compares: African/African-American, 0.004%; no homozygotes.

Submissions (3):

Women's Health and Genetics/Laboratory Corporation of America, LabCorp
Classification: Uncertain significance. Last evaluated: 2025-02-03. Review status: criteria provided, single submitter. Criteria: LabCorp Variant Classification Summary - May 2015. Collection method: clinical testing. Allele origin: germline.

Labcorp Genetics (formerly Invitae), Labcorp
Classification: Uncertain significance for Alstrom syndrome. Last evaluated: 2023-09-03. Review status: criteria provided, single submitter. Criteria: Invitae Variant Classification Sherloc (09022015). Collection method: clinical testing. Allele origin: germline.
Comment: In summary, the available evidence is currently insufficient to determine the role of this variant in disease. Therefore, it has been classified as a Variant of Uncertain Significance. Experimental studies and prediction algorithms are not available or were not evaluated, and the functional significance of this variant is currently unknown. ClinVar contains an entry for this variant (Variation ID: 1932953). This variant has not been reported in the literature in individuals affected with ALMS1-related conditions. This variant is present in population databases (rs753021818, gnomAD 0.008%). This sequence change replaces threonine, which is neutral and polar, with arginine, which is basic and polar, at codon 3206 of the ALMS1 protein (p.Thr3206Arg).

GeneDx
Classification: Uncertain significance. Last evaluated: 2023-02-03. Review status: criteria provided, single submitter. Criteria: GeneDx Variant Classification Process June 2021. Collection method: clinical testing. Allele origin: germline. Affected: yes.
Comment: Not observed at significant frequency in large population cohorts (gnomAD); In silico analysis supports that this missense variant has a deleterious effect on protein structure/function; Has not been previously published as pathogenic or benign to our knowledge

NM_001378454.1(ALMS1):c.9614C>G (p.Thr3205Arg)

Gene: ALMS1 (ALMS1 centrosome and basal body associated protein; plus strand). Cytogenetic location: 2p13.1.
Variant type: single nucleotide variant.
Coding change: c.9614C>G on transcript NM_001378454.1 (MANE Select); coding-DNA position 9614, C replaced by G.
Protein change: p.Thr3205Arg; replaces threonine 3205 with arginine.
Molecular consequence: missense variant.
Genome position (GRCh38, 1-based): chr2:73,519,849, C>G. VCF-style: chr2-73519849-C-G. GRCh37 (hg19) VCF-style: chr2-73746976-C-G.
Other names: c.9617C>G, p.Thr3206Arg (NM_015120.4); short protein forms T3205R, T3206R.
Identifiers: ClinVar variation 1932953 (VCV001932953.6), dbSNP rs753021818, ClinGen allele CA1714717.
Genomic context (GRCh38, chr2:73,519,849, plus strand): 5'-TGAAGACCCCACTTTCTGCTTTCTCTGAAAAATTGTCATCTGATGCAGTCACTCAGATAA[C>G]AACAGAAAGTCCAGAAAAGACCCTATTTTCATCTGAGATTTTTATTAATGCTGAAGATCG-3'
Protein context (NP_001365383.1, residues 3195-3215): KLSSDAVTQI[Thr3205Arg]TESPEKTLFS